The following is an entry in ClinVar:

NM_001458.5(FLNC):c.4937G>A (p.Gly1646Glu)

Gene: FLNC (filamin C; plus strand). Cytogenetic location: 7q32.1.
Variant type: single nucleotide variant.
Coding change: c.4937G>A on transcript NM_001458.5 (MANE Select); coding-DNA position 4937, G replaced by A.
Protein change: p.Gly1646Glu; replaces glycine 1646 with glutamic acid.
Molecular consequence: missense variant.
Genome position (GRCh38, 1-based): chr7:128,849,190, G>A. VCF-style: chr7-128849190-G-A. GRCh37 (hg19) VCF-style: chr7-128489244-G-A.
Other names: c.4937G>A, p.Gly1646Glu (NM_001127487.2); short protein forms G1646E.
Identifiers: ClinVar variation 1941661 (VCV001941661.5), dbSNP rs2536649836, ClinGen allele CA369203765.
Genomic context (GRCh38, chr7:128,849,190, plus strand): 5'-CCCCAGCCCACGTTGAGCACCGCCTGGCCTCACACTCTTCTCTCTTTCCAGTGTCCATTG[G>A]AGGCCATGGCCTGGGTGAGTGCCCTTTCTCTCCTCTTCTTGGTGTGGGCCAGGGTGGTTG-3'
Protein context (NP_001449.3, residues 1636-1656): ASKCLVTVSI[Gly1646Glu]GHGLGACLGP

ClinVar aggregate classification (germline): Uncertain significance (1 of 4 stars; one submission).

Conditions:
Myofibrillar myopathy 5. Also called: Filaminopathy (type); FILAMINOPATHY, AUTOSOMAL DOMINANT. Identifiers: Orphanet 171445, MedGen C1836050, MONDO:0012289, OMIM 609524.
Hypertrophic cardiomyopathy 26. Also called: Cardiomyopathy, familial hypertrophic, 26. Identifiers: Orphanet 75249, MedGen C4310749, MONDO:0014883, OMIM 617047.
Distal myopathy with posterior leg and anterior hand involvement. Also called: WILLIAMS DISTAL MYOPATHY. Identifiers: Orphanet 63273, MedGen C3279722, MONDO:0013550, OMIM 614065.

Submission:

Labcorp Genetics (formerly Invitae), Labcorp
Classification: Uncertain significance for Distal myopathy with posterior leg and anterior hand involvement; Myofibrillar myopathy 5; Hypertrophic cardiomyopathy 26. Last evaluated: 2023-11-19. Review status: criteria provided, single submitter. Criteria: Invitae Variant Classification Sherloc (09022015). Collection method: clinical testing. Allele origin: germline.
Comment: This sequence change replaces glycine, which is neutral and non-polar, with glutamic acid, which is acidic and polar, at codon 1646 of the FLNC protein (p.Gly1646Glu). This variant is not present in population databases (gnomAD no frequency). This variant has not been reported in the literature in individuals affected with FLNC-related conditions. ClinVar contains an entry for this variant (Variation ID: 1941661). An algorithm developed to predict the effect of missense changes on protein structure and function (PolyPhen-2) suggests that this variant is likely to be disruptive. In summary, the available evidence is currently insufficient to determine the role of this variant in disease. Therefore, it has been classified as a Variant of Uncertain Significance.